The following is an entry in ClinVar:

ClinVar aggregate classification (germline): Uncertain significance (1 of 4 stars; one submission).

Submission:

Ambry Genetics
Classification: Uncertain significance. Last evaluated: 2024-02-01. Review status: criteria provided, single submitter. Criteria: Ambry Variant Classification Scheme 2023. Collection method: clinical testing. Allele origin: germline.
Comment: The p.M2023V variant (also known as c.6067A>G), located in coding exon 19 of the POLQ gene, results from an A to G substitution at nucleotide position 6067. The methionine at codon 2023 is replaced by valine, an amino acid with highly similar properties. This amino acid position is conserved. In addition, this alteration is predicted to be tolerated by in silico analysis. Based on the available evidence, the clinical significance of this alteration remains unclear.

NM_199420.4(POLQ):c.6067A>G (p.Met2023Val)

Gene: POLQ (DNA polymerase theta; minus strand). Cytogenetic location: 3q13.33.
Variant type: single nucleotide variant.
Coding change: c.6067A>G on transcript NM_199420.4 (MANE Select); coding-DNA position 6067, A replaced by G.
Protein change: p.Met2023Val; replaces methionine 2023 with valine.
Molecular consequence: missense variant.
Genome position (GRCh38, 1-based): chr3:121,481,716, T>C on the plus strand (A>G on the coding strand, the complement: POLQ is on the minus strand). VCF-style: chr3-121481716-T-C. GRCh37 (hg19) VCF-style: chr3-121200563-T-C.
Other names: short protein forms M2023V.
Identifiers: ClinVar variation 3230088 (VCV003230088.1), dbSNP rs2047972918, ClinGen allele CA354087984.
Genomic context (GRCh38, chr3:121,481,716, plus strand): 5'-GCCCAGAATGCTCACTGCCAGCATTTAGCCCCAGGCTTTGAATCCCTTGGCTGGTCTCCA[T>C]CCCTTCTAGGAGTGGAAGCTCATGAGGAAGAAAACTGGTAACTATGCTATGAAGAGTCGG-3'
Protein context (NP_955452.3, residues 2013-2033): LPHELPLLEG[Met2023Val]ETSQGIQSLG